The following is an entry in ClinVar:

NM_001171.6(ABCC6):c.2294G>C (p.Arg765Pro)

Gene: ABCC6 (ATP binding cassette subfamily C member 6; minus strand). Cytogenetic location: 16p13.11.
Variant type: single nucleotide variant.
Coding change: c.2294G>C on transcript NM_001171.6 (MANE Select); coding-DNA position 2294, G replaced by C.
Protein change: p.Arg765Pro; replaces arginine 765 with proline.
Molecular consequence: missense variant. On other transcripts: non-coding transcript variant (1).
Genome position (GRCh38, 1-based): chr16:16,178,919, C>G on the plus strand (G>C on the coding strand, the complement: ABCC6 is on the minus strand). VCF-style: chr16-16178919-C-G. GRCh37 (hg19) VCF-style: chr16-16272776-C-G.
Other names: c.1952G>C, p.Arg651Pro (NM_001351800.1); short protein forms R651P, R765P.
Identifiers: ClinVar variation 2896419 (VCV002896419.3), dbSNP rs67561842, ClinGen allele CA394888113.

ClinVar aggregate classification (germline): Likely pathogenic (1 of 4 stars; one submission).

Submission:

Labcorp Genetics (formerly Invitae), Labcorp
Classification: Likely pathogenic. Last evaluated: 2023-10-29. Review status: criteria provided, single submitter. Criteria: Invitae Variant Classification Sherloc (09022015). Collection method: clinical testing. Allele origin: germline.
Comment: This sequence change replaces arginine, which is basic and polar, with proline, which is neutral and non-polar, at codon 765 of the ABCC6 protein (p.Arg765Pro). This variant is present in population databases (no rsID available, gnomAD 0.0009%). This variant has not been reported in the literature in individuals affected with ABCC6-related conditions. Advanced modeling of protein sequence and biophysical properties (such as structural, functional, and spatial information, amino acid conservation, physicochemical variation, residue mobility, and thermodynamic stability) performed at Invitae indicates that this missense variant is expected to disrupt ABCC6 protein function with a positive predictive value of 95%. This variant disrupts the p.Arg765 amino acid residue in ABCC6. Other variant(s) that disrupt this residue have been determined to be pathogenic (PMID: 12673275, 18157818, 30805891; Invitae). This suggests that this residue is clinically significant, and that variants that disrupt this residue are likely to be disease-causing. In summary, the currently available evidence indicates that the variant is pathogenic, but additional data are needed to prove that conclusively. Therefore, this variant has been classified as Likely Pathogenic.

Literature cited by the submitters: PubMed 12673275; PubMed 18157818; PubMed 30805891.